The following is an entry in ClinVar:

NM_206926.2(SELENON):c.770+2T>C

Gene: SELENON (selenoprotein N; plus strand). Cytogenetic location: 1p36.11.
Variant type: single nucleotide variant.
Coding change: c.770+2T>C on transcript NM_206926.2 (MANE Select); the canonical splice donor site of the intron after coding-DNA position 770, T replaced by C.
Molecular consequence: splice donor variant.
Genome position (GRCh38, 1-based): chr1:25,809,152, T>C. VCF-style: chr1-25809152-T-C. GRCh37 (hg19) VCF-style: chr1-26135643-T-C.
Other names: c.872+2T>C (NM_020451.3).
Identifiers: ClinVar variation 198238 (VCV000198238.8), dbSNP rs794727808, ClinGen allele CA275352.

ClinVar aggregate classification (germline): Pathogenic/Likely pathogenic. Review status: criteria provided, multiple submitters, no conflicts (2 of 4 stars). 2 submissions from 2 submitters: Pathogenic (1); Likely pathogenic (1). Last evaluated 2025-05-06.

Conditions:
Eichsfeld type congenital muscular dystrophy (CMYO3). Also called: MYOPATHY, SEPN1-RELATED; SELENON-related myopathy; Congenital myopathy 3 with rigid spine; Rigid spine muscular dystrophy 1. Identifiers: MedGen C0410180, MONDO:0100100, OMIM 602771.

Allele frequency attached by ClinVar (database versions not stated): gnomAD exomes below 0.00001.
gnomAD v4.1: 1 of 1,613,620 alleles (0.000062%); no homozygotes.

Submissions (2):

Broad Center for Mendelian Genomics, Broad Institute of MIT and Harvard
Classification: Likely pathogenic. Last evaluated: 2025-05-06. Review status: criteria provided, single submitter. Criteria: ACMG Guidelines, 2015. Collection method: curation. Allele origin: germline. Inheritance: Autosomal recessive inheritance.
Comment: The c.872+2T>C variant in SELENON has not been previously reported in the literature in individuals with SELENON-RM but has been identified in 0.002% (1/63510) of European (Finnish) chromosomes by the Genome Aggregation Database (gnomAD; dbSNP ID: rs794727808). Although this variant has been seen in the general population in a heterozygous state, its frequency is low enough to be consistent with a recessive carrier frequency. This variant has also been reported in ClinVar (Variation ID#: 198238) and has been interpreted as pathogenic by Eurofins NTD, LLC. This variant is located in the 3' splice region. Computational tools predict a splicing impact, though this information is not predictive enough to determine/rule out pathogenicity. SpliceAI predictions indicate use of an out-of-frame cryptic splice site 45 bases from the intron-exon boundary, providing evidence that this variant may cause a frameshift and lead to a premature termination codon downstream. This alteration is then predicted to lead to a truncated or absent protein. However, this information is not predictive enough to determine pathogenicity. Loss of function of the SELENON gene is an established disease mechanism in autosomal recessive SELENON-RM. In summary, although additional studies are required to fully establish its clinical significance, this variant is likely pathogenic for autosomal recessive rigid spine muscular dystrophy 1. ACMG/AMP Criteria applied: PVS1, PM2_supporting (Richards 2015).

Eurofins Ntd Llc (ga)
Classification: Pathogenic. Last evaluated: 2015-02-20. Review status: criteria provided, single submitter. Criteria: EGL Classification Definitions 2015. Collection method: clinical testing. Allele origin: germline. Observed: 3 variant alleles, 2 heterozygotes, 1 homozygote.